The following is an entry in ClinVar:

NM_014669.5(NUP93):c.1142A>G (p.Asn381Ser)

Gene: NUP93 (nucleoporin 93; plus strand). Cytogenetic location: 16q13.
Variant type: single nucleotide variant.
Coding change: c.1142A>G on transcript NM_014669.5 (MANE Select); coding-DNA position 1142, A replaced by G.
Protein change: p.Asn381Ser; replaces asparagine 381 with serine.
Molecular consequence: missense variant.
Genome position (GRCh38, 1-based): chr16:56,831,898, A>G. VCF-style: chr16-56831898-A-G. GRCh37 (hg19) VCF-style: chr16-56865810-A-G.
Other names: c.773A>G, p.Asn258Ser (NM_001242795.2, NM_001242796.2); short protein forms N258S, N381S.
Identifiers: ClinVar variation 2966135 (VCV002966135.3), dbSNP rs1309196589, ClinGen allele CA395987136.
Genomic context (GRCh38, chr16:56,831,898, plus strand): 5'-GTAGATTGTCCCCAGCTACGGAAAACAAGCTCCGGCTGCATTACCGTAGGGCCCTCAGGA[A>G]CAATACAGATCCCTACAAGCGGGCCGTGTACTGTATCATTGGCAGATGTGACGTCACCGA-3'
Protein context (NP_055484.3, residues 371-391): LRLHYRRALR[Asn381Ser]NTDPYKRAVY

ClinVar aggregate classification (germline): Uncertain significance (1 of 4 stars; one submission).

Allele frequency attached by ClinVar (database versions not stated): gnomAD exomes below 0.00001; TOPMed below 0.00001.
gnomAD v4.1: 4 of 1,614,120 alleles (0.00025%); highest among the groups gnomAD compares: Non-Finnish European, 0.00034%; no homozygotes.

Submission:

Labcorp Genetics (formerly Invitae), Labcorp
Classification: Uncertain significance. Last evaluated: 2023-12-17. Review status: criteria provided, single submitter. Criteria: Invitae Variant Classification Sherloc (09022015). Collection method: clinical testing. Allele origin: germline.
Comment: This sequence change replaces asparagine, which is neutral and polar, with serine, which is neutral and polar, at codon 381 of the NUP93 protein (p.Asn381Ser). This variant is present in population databases (no rsID available, gnomAD 0.0009%). This variant has not been reported in the literature in individuals affected with NUP93-related conditions. Advanced modeling of protein sequence and biophysical properties (such as structural, functional, and spatial information, amino acid conservation, physicochemical variation, residue mobility, and thermodynamic stability) performed at Invitae indicates that this missense variant is not expected to disrupt NUP93 protein function with a negative predictive value of 80%. In summary, the available evidence is currently insufficient to determine the role of this variant in disease. Therefore, it has been classified as a Variant of Uncertain Significance.